The following is an entry in ClinVar:

NM_000321.3(RB1):c.1318G>T (p.Glu440Ter)

Gene: RB1 (RB transcriptional corepressor 1; plus strand). Cytogenetic location: 13q14.2.
Variant type: single nucleotide variant.
Coding change: c.1318G>T on transcript NM_000321.3 (MANE Select); coding-DNA position 1318, G replaced by T.
Protein change: p.Glu440Ter; replaces glutamic acid 440 with a stop codon.
Molecular consequence: nonsense.
Genome position (GRCh38, 1-based): chr13:48,377,020, G>T. VCF-style: chr13-48377020-G-T. GRCh37 (hg19) VCF-style: chr13-48951156-G-T.
Other names: c.1318G>T, p.Glu440Ter (NM_001407165.1, NM_001407166.1); short protein forms E440*.
Identifiers: ClinVar variation 3236971 (VCV003236971.3), dbSNP rs1060503078.

ClinVar aggregate classification (germline): Pathogenic. Review status: criteria provided, multiple submitters, no conflicts (2 of 4 stars). 2 submissions from 2 submitters: Pathogenic (2). Last evaluated 2024-08-27.

Conditions:
Retinoblastoma (RB1). Also called: RETINOBLASTOMA, SOMATIC. Identifiers: Orphanet 790, MedGen C0035335, MeSH D012175, MONDO:0008380, OMIM 180200, HP:0009919. Disease mechanism: loss of function. Inheritance: Both sporadic and heritable forms are tested..

Submissions (2):

Labcorp Genetics (formerly Invitae), Labcorp
Classification: Pathogenic for Retinoblastoma. Last evaluated: 2024-08-27. Review status: criteria provided, single submitter. Criteria: Invitae Variant Classification Sherloc (09022015). Collection method: clinical testing. Allele origin: germline.
Comment: This sequence change creates a premature translational stop signal (p.Glu440*) in the RB1 gene. It is expected to result in an absent or disrupted protein product. Loss-of-function variants in RB1 are known to be pathogenic (PMID: 17096365). This variant is not present in population databases (gnomAD no frequency). This premature translational stop signal has been observed in individual(s) with retinoblastoma (PMID: 24810223). Algorithms developed to predict the effect of sequence changes on RNA splicing suggest that this variant may disrupt the consensus splice site. For these reasons, this variant has been classified as Pathogenic.

Genetic Diagnostic Laboratory, University of Pennsylvania School of Medicine
Classification: Pathogenic for Retinoblastoma. Last evaluated: 2024-05-20. Review status: criteria provided, single submitter. Criteria: ACMG Guidelines, 2015. Collection method: clinical testing. Allele origin: germline. Affected: yes. Observed: 1 variant allele.
Comment: Case and Pedigree Information: BILATERAL CASES:0, UNILATERAL CASES:1, TOTAL CASES:1, PEDIGREES:1. ACMG Codes Applied:PVS1, PM2

Literature cited by the submitters: PubMed 17096365 (cited by Labcorp Genetics (formerly Invitae), Labcorp); PubMed 24810223 (cited by Labcorp Genetics (formerly Invitae), Labcorp).